The following is an entry in ClinVar:

NM_005159.5(ACTC1):c.616+5GT[4]

Genes: ACTC1 (actin alpha cardiac muscle 1; minus strand), GJD2-DT (GJD2 divergent transcript; plus strand). Cytogenetic location: 15q14.
Variant type: Microsatellite.
Coding change: c.616+5GT[4] on transcript NM_005159.5 (MANE Select); four copies in a row of the 2-base unit GT starting at c.616+5; the reference has five copies in a row; one copy, 2 bases deleted.
Molecular consequence: intron variant.
Genome position (GRCh38, 1-based): chr15:34,792,394-34,792,395, AC deleted on the plus strand (GT on the coding strand, the reverse complement: ACTC1 is on the minus strand); deleting any 2 consecutive bases within chr15:34,792,394-34,792,403 gives the same sequence; the position shown is the placement nearest the transcript's 3' end. VCF-style (leftmost placement, unchanged base first): chr15-34792393-GAC-G. GRCh37 (hg19) VCF-style: chr15-35084594-GAC-G.
Other names: c.616+13_616+14delGT (NM_005159.4).
Identifiers: ClinVar variation 417998 (VCV000417998.12), dbSNP rs749539033, ClinGen allele CA042166.

ClinVar aggregate classification (germline): Benign/Likely benign. Review status: criteria provided, multiple submitters, no conflicts (2 of 4 stars). 4 submissions from 4 submitters: Benign (1); Likely benign (3). Last evaluated 2025-11-10.

Conditions:
Atrial septal defect 5 (ASD5). Identifiers: Orphanet 1478, MedGen C2748552, MONDO:0013011, OMIM 612794.
Hypertrophic cardiomyopathy 11. Also called: ACTC1-Related Familial Hypertrophic Cardiomyopathy. Identifiers: MedGen C2677506, MONDO:0012799, OMIM 612098.
Dilated cardiomyopathy 1R (CMD1R). Identifiers: Orphanet 154, Orphanet 54260, MedGen C3150681, MONDO:0013261, OMIM 613424.

Submissions (4):

Labcorp Genetics (formerly Invitae), Labcorp
Classification: Likely benign for Dilated cardiomyopathy 1R; Hypertrophic cardiomyopathy 11; Atrial septal defect 5. Last evaluated: 2025-11-10. Review status: criteria provided, single submitter. Criteria: Invitae Variant Classification Sherloc (09022015). Collection method: clinical testing. Allele origin: germline.

ARUP Laboratories, Molecular Genetics and Genomics, ARUP Laboratories
Classification: Likely benign. Last evaluated: 2022-09-12. Review status: criteria provided, single submitter. Criteria: ARUP Molecular Germline Variant Investigation Process 2021. Collection method: clinical testing. Allele origin: germline.

Blueprint Genetics
Classification: Likely benign. Last evaluated: 2022-07-13. Review status: criteria provided, single submitter. Criteria: ACMG Guidelines, 2015. Collection method: clinical testing. Allele origin: germline.

GeneDx
Classification: Benign. Last evaluated: 2015-04-16. Review status: criteria provided, single submitter. Criteria: GeneDx Variant Classification (06012015). Collection method: clinical testing. Allele origin: germline. Affected: yes.
Comment: This variant is considered likely benign or benign based on one or more of the following criteria: it is a conservative change, it occurs at a poorly conserved position in the protein, it is predicted to be benign by multiple in silico algorithms, and/or has population frequency not consistent with disease.